The following is an entry in ClinVar:

ClinVar aggregate classification (germline): Likely pathogenic. Review status: reviewed by expert panel (3 of 4 stars). 3 submissions from 3 submitters: Likely pathogenic (1). 2 of the submissions do not count toward it. Last evaluated 2025-06-24.

Conditions:
Hereditary cancer-predisposing syndrome. Also called: Neoplastic Syndromes, Hereditary; Tumor predisposition; Hereditary neoplastic syndrome; Hereditary Cancer Syndrome. Identifiers: Orphanet 140162, MedGen C0027672, MeSH D009386, MONDO:0015356.
DICER1-related tumor predisposition. Also called: DICER1-related pleuropulmonary blastoma cancer predisposition syndrome; DICER1 syndrome. Identifiers: Orphanet 284343, MedGen C3839822, MONDO:0100216.

Submissions (3):

ClinGen DICER1 and miRNA-Processing Gene Variant Curation Expert Panel, ClinGen
Classification: Likely pathogenic for DICER1-related tumor predisposition. Last evaluated: 2025-06-24. Review status: reviewed by expert panel. Criteria: ClinGen DICER1 ACMG Specifications DICER1 V1.3.0. Collection method: curation. Allele origin: germline. Inheritance: Autosomal dominant inheritance.
Comment: The NM_177438.3:c.1753-9A>G variant in DICER1 is an intronic variant located in intron 10. This variant received a total of 1 phenotype point across 1 unrelated family, meeting DICER1 VCEP phenotype specificity scoring criteria of 1-1.5 points (PS4_Supporting; Internal lab contributors). This variant is absent from gnomAD v4.1.0 (PM2_Supporting). Sequencing of RNA from patients showed an out-of-frame impact on splicing, indicating that this variant impacts protein function (PS3; Internal lab contributors). The splice site predictors MaxEntScan and SpliceAI indicate that the variant impacts splicing, evidence that correlates with impact to DICER1 function (PP3). In summary, this variant meets the criteria to be classified as Likely Pathogenic for DICER1-related tumor predisposition based on the ACMG/AMP criteria applied, as specified by the ClinGen DICER1 VCEP: PS4_Supporting, PM2_Supporting, PS3, PP3. (Bayesian Points: 7; VCEP specifications version 1.3.0; 06/24/2025)

Ambry Genetics
Classification: Likely pathogenic for Hereditary cancer-predisposing syndrome. Last evaluated: 2023-07-21. Review status: criteria provided, single submitter. Criteria: Ambry Variant Classification Scheme 2023. Collection method: clinical testing. Allele origin: germline. Not counted in ClinVar's aggregate classification.
Comment: The c.1753-9A>G intronic variant results from an A to G substitution 9 nucleotides upstream from coding exon 10 in the DICER1 gene. This nucleotide position is well conserved in available vertebrate species. This alteration has been observed in at least one individual with a personal and/or family history that is consistent with DICER1-related disease (Ambry internal data). In silico splice site analysis predicts that this alteration will weaken the native splice acceptor site and will result in the creation or strengthening of a novel splice acceptor site. RNA studies have demonstrated that this alteration results in abnormal splicing in the set of samples tested (Ambry internal data). Based on the majority of available evidence to date, this variant is likely to be pathogenic.

PreventionGenetics, part of Exact Sciences
Classification: Uncertain significance. Last evaluated: 2017-07-20. Review status: criteria provided, single submitter. Criteria: ACMG Guidelines, 2015. Collection method: clinical testing. Allele origin: germline. Not counted in ClinVar's aggregate classification.

NM_177438.3(DICER1):c.1753-9A>G

Gene: DICER1 (dicer 1, ribonuclease III; minus strand). Cytogenetic location: 14q32.13.
Variant type: single nucleotide variant.
Coding change: c.1753-9A>G on transcript NM_177438.3 (MANE Select); 9 bases into the intron before coding-DNA position 1753, A replaced by G.
Molecular consequence: intron variant.
Genome position (GRCh38, 1-based): chr14:95,115,830, T>C on the plus strand (A>G on the coding strand, the complement: DICER1 is on the minus strand). VCF-style: chr14-95115830-T-C. GRCh37 (hg19) VCF-style: chr14-95582167-T-C.
Other names: c.1753-9A>G (NM_177438.2, NM_001291628.2, NM_030621.4 and 2 more transcripts).
Identifiers: ClinVar variation 690463 (VCV000690463.5), dbSNP rs1595407392, ClinGen allele CA915946411.